The following is an entry in ClinVar:

ClinVar aggregate classification (germline): Uncertain significance (1 of 4 stars; one submission).

Conditions:
Hereditary cancer-predisposing syndrome. Also called: Hereditary Cancer Syndrome; Hereditary neoplastic syndrome; Neoplastic Syndromes, Hereditary; Tumor predisposition. Identifiers: Orphanet 140162, MedGen C0027672, MeSH D009386, MONDO:0015356.

Submission:

Ambry Genetics
Classification: Uncertain significance for Hereditary cancer-predisposing syndrome. Last evaluated: 2024-06-12. Review status: criteria provided, single submitter. Criteria: Ambry Variant Classification Scheme 2023. Collection method: clinical testing. Allele origin: germline.
Comment: The p.L49V variant (also known as c.145T>G), located in coding exon 2 of the NF2 gene, results from a T to G substitution at nucleotide position 145. The leucine at codon 49 is replaced by valine, an amino acid with highly similar properties. This amino acid position is highly conserved in available vertebrate species. In addition, the in silico prediction for this alteration is inconclusive. Based on the available evidence, the clinical significance of this variant remains unclear.

NM_000268.4(NF2):c.145T>G (p.Leu49Val)

Gene: NF2 (NF2, moesin-ezrin-radixin like (MERLIN) tumor suppressor; plus strand). Cytogenetic location: 22q12.2.
Variant type: single nucleotide variant.
Coding change: c.145T>G on transcript NM_000268.4 (MANE Select); coding-DNA position 145, T replaced by G.
Protein change: p.Leu49Val; replaces leucine 49 with valine.
Molecular consequence: missense variant. On other transcripts: non-coding transcript variant (1), intron variant (3).
Genome position (GRCh38, 1-based): chr22:29,636,781, T>G. VCF-style: chr22-29636781-T-G. GRCh37 (hg19) VCF-style: chr22-30032770-T-G.
Other names: c.31T>G, p.Leu11Val (NM_001407053.1, NM_001407056.1); c.145T>G, p.Leu49Val (NM_001407054.1, NM_001407057.1, NM_001407058.1 and 9 more transcripts); c.-496T>G (NM_001407065.1); c.-112T>G (NM_001407067.1); c.115-2309T>G (NM_181828.3); c.115-5421T>G (NM_181830.3, NM_181831.3); short protein forms L49V, L11V.
Identifiers: ClinVar variation 1773143 (VCV001773143.3), dbSNP rs759129920, ClinGen allele CA411152480.
Genomic context (GRCh38, chr22:29,636,781, plus strand): 5'-GTGTCCTTCCCCATTGGTTTGTTATTGCAGATGAAGTGGAAAGGGAAGGACCTCTTTGAT[T>G]TGGTGTGCCGGACTCTGGGGCTCCGAGAAACCTGGTTCTTTGGACTGCAGTACACAATCA-3'
Protein context (NP_000259.1, residues 39-59): MKWKGKDLFD[Leu49Val]VCRTLGLRET